The following is an entry in ClinVar:

NM_170600.3(SH2D3C):c.444C>A (p.Pro148=)

Gene: SH2D3C (SH2 domain containing 3C; minus strand). Cytogenetic location: 9q34.11.
Variant type: single nucleotide variant.
Coding change: c.444C>A on transcript NM_170600.3 (MANE Select); coding-DNA position 444, C replaced by A.
Protein change: p.Pro148=; no amino-acid change (proline 148 retained).
Molecular consequence: synonymous variant.
Genome position (GRCh38, 1-based): chr9:127,774,061, G>T on the plus strand (C>A on the coding strand, the complement: SH2D3C is on the minus strand). VCF-style: chr9-127774061-G-T. GRCh37 (hg19) VCF-style: chr9-130536340-G-T.
Identifiers: ClinVar variation 2659514 (VCV002659514.24), dbSNP rs766990169, ClinGen allele CA5251394.

ClinVar aggregate classification (germline): Likely benign (1 of 4 stars; one submission).

Allele frequency attached by ClinVar (database versions not stated): ExAC 0.00002.
gnomAD v4.1: 22 of 1,614,176 alleles (0.0014%); highest among the groups gnomAD compares: Middle Eastern, 0.017%; no homozygotes.

Submission:

CeGaT Center for Human Genetics Tuebingen
Classification: Likely benign. Last evaluated: 2022-12-01. Review status: criteria provided, single submitter. Criteria: CeGaT Center For Human Genetics Tuebingen Variant Classification Criteria Version 2. Collection method: clinical testing. Allele origin: germline. Affected: yes. Observed: 1 variant allele.
Comment: SH2D3C: BP4, BP7